The following is an entry in ClinVar:

NM_000215.4(JAK3):c.2825C>T (p.Ser942Phe)

Gene: JAK3 (Janus kinase 3; minus strand). Cytogenetic location: 19p13.11.
Variant type: single nucleotide variant.
Coding change: c.2825C>T on transcript NM_000215.4 (MANE Select); coding-DNA position 2825, C replaced by T.
Protein change: p.Ser942Phe; replaces serine 942 with phenylalanine.
Molecular consequence: missense variant.
Genome position (GRCh38, 1-based): chr19:17,831,381, G>A on the plus strand (C>T on the coding strand, the complement: JAK3 is on the minus strand). VCF-style: chr19-17831381-G-A. GRCh37 (hg19) VCF-style: chr19-17942190-G-A.
Other names: short protein forms S942F.
Identifiers: ClinVar variation 1383426 (VCV001383426.3), dbSNP rs372733285, ClinGen allele CA306126779.

ClinVar aggregate classification (germline): Uncertain significance (1 of 4 stars; one submission).

Conditions:
T-B+ severe combined immunodeficiency due to JAK3 deficiency. Also called: SCID, autosomal recessive, T-negative/B-positive type; SCID, T CELL-NEGATIVE, B CELL-POSITIVE, NK CELL-NEGATIVE. Identifiers: Orphanet 35078, MedGen C1833275, MONDO:0010938, OMIM 600802.

Allele frequency attached by ClinVar (database versions not stated): gnomAD 0.00001; gnomAD exomes 0.00001; TOPMed 0.00002; ESP Exome Variant Server 0.00008.
gnomAD v4.1: 6 of 1,605,526 alleles (0.00037%); highest among the groups gnomAD compares: African/African-American, 0.0053%; no homozygotes.

Submission:

Labcorp Genetics (formerly Invitae), Labcorp
Classification: Uncertain significance for T-B+ severe combined immunodeficiency due to JAK3 deficiency. Last evaluated: 2021-11-01. Review status: criteria provided, single submitter. Criteria: Invitae Variant Classification Sherloc (09022015). Collection method: clinical testing. Allele origin: germline.
Comment: This sequence change replaces serine, which is neutral and polar, with phenylalanine, which is neutral and non-polar, at codon 942 of the JAK3 protein (p.Ser942Phe). This variant is present in population databases (rs372733285, gnomAD 0.02%). This variant has not been reported in the literature in individuals affected with JAK3-related conditions. Algorithms developed to predict the effect of missense changes on protein structure and function are either unavailable or do not agree on the potential impact of this missense change (SIFT: "Deleterious"; PolyPhen-2: "Probably Damaging"; Align-GVGD: "Class C15"). In summary, the available evidence is currently insufficient to determine the role of this variant in disease. Therefore, it has been classified as a Variant of Uncertain Significance.